The following is an entry in ClinVar:

NM_000322.5(PRPH2):c.584G>T (p.Arg195Leu)

Gene: PRPH2 (peripherin 2; minus strand). Cytogenetic location: 6p21.1.
Variant type: single nucleotide variant.
Coding change: c.584G>T on transcript NM_000322.5 (MANE Select); coding-DNA position 584, G replaced by T.
Protein change: p.Arg195Leu; replaces arginine 195 with leucine.
Molecular consequence: missense variant.
Genome position (GRCh38, 1-based): chr6:42,704,609, C>A on the plus strand (G>T on the coding strand, the complement: PRPH2 is on the minus strand). VCF-style: chr6-42704609-C-A. GRCh37 (hg19) VCF-style: chr6-42672347-C-A.
Other names: short protein forms R195L.
Identifiers: ClinVar variation 13182 (VCV000013182.47), dbSNP rs121918567, ClinGen allele CA122944.

ClinVar aggregate classification (germline): Pathogenic. Review status: criteria provided, multiple submitters, no conflicts (2 of 4 stars). 7 submissions from 7 submitters: Pathogenic (4). 3 of the submissions do not count toward it. Last evaluated 2024-04-05.

Conditions:
PRPH2-related disorder. Also called: PRPH2-related condition; PRPH2-related disorders. Identifiers: MedGen CN239395.
Retinal dystrophy. Also called: Inherited retinal dystrophy. Identifiers: Orphanet 71862, MedGen C0854723, MeSH D058499, MONDO:0019118, HP:0000556.
Choroidal dystrophy, central areolar 2 (CACD2). Also called: MACULAR DYSTROPHY, PROGRESSIVE; Choriodal Dystrophy, Central Areolar 2. Identifiers: Orphanet 75377, MedGen C2751290, MONDO:0013137, OMIM 613105.

Allele frequency attached by ClinVar (database versions not stated): gnomAD exomes below 0.00001; ExAC 0.00001; gnomAD 0.00001; 1000 Genomes Project 30x 0.00016; 1000 Genomes Project 0.00020.
gnomAD v4.1: 1 of 1,614,148 alleles (0.000062%); highest among the groups gnomAD compares: Non-Finnish European, 0.000085%; no homozygotes.

Submissions (7):

Labcorp Genetics (formerly Invitae), Labcorp
Classification: Pathogenic for PRPH2-related disorder. Last evaluated: 2024-04-05. Review status: criteria provided, single submitter. Criteria: Invitae Variant Classification Sherloc (09022015). Collection method: clinical testing. Allele origin: germline.
Comment: This sequence change replaces arginine, which is basic and polar, with leucine, which is neutral and non-polar, at codon 195 of the PRPH2 protein (p.Arg195Leu). This variant is present in population databases (rs121918567, gnomAD 0.0009%). This missense change has been observed in individuals with autosomal dominant choroidal dystrophy (PMID: 14557183, 20213611). It has also been observed to segregate with disease in related individuals. ClinVar contains an entry for this variant (Variation ID: 13182). An algorithm developed to predict the effect of missense changes on protein structure and function (PolyPhen-2) suggests that this variant is likely to be tolerated. Experimental studies have shown that this missense change affects PRPH2 function (PMID: 26796962). This variant disrupts the p.Arg195 amino acid residue in PRPH2. Other variant(s) that disrupt this residue have been determined to be pathogenic (PMID: 25082885; Invitae). This suggests that this residue is clinically significant, and that variants that disrupt this residue are likely to be disease-causing. For these reasons, this variant has been classified as Pathogenic.

Blueprint Genetics
Classification: Pathogenic for PRPH2-related disorders. Last evaluated: 2023-07-21. Review status: criteria provided, single submitter. Criteria: ACMG Guidelines, 2015. Collection method: clinical testing. Allele origin: germline. Affected: yes. Observed: 5 variant alleles.

CeGaT Center for Human Genetics Tuebingen
Classification: Pathogenic. Last evaluated: 2020-02-01. Review status: criteria provided, single submitter. Criteria: CeGaT Center For Human Genetics Tuebingen Variant Classification Criteria Version 2. Collection method: clinical testing. Allele origin: germline. Affected: yes. Observed: 1 variant allele.

Institute of Human Genetics, Univ. Regensburg, Univ. Regensburg
Classification: Pathogenic for Retinal dystrophy. Last evaluated: 2019-01-01. Review status: criteria provided, single submitter. Criteria: ACMG Guidelines, 2015. Collection method: clinical testing. Allele origin: germline. Affected: yes.

Leiden Open Variation Database
Classification: Likely pathogenic. Last evaluated: 2021-04-06. Review status: no assertion criteria provided. Collection method: curation. Allele origin: germline. Affected: yes. Not counted in ClinVar's aggregate classification.
Comment: Curator: Global Variome, with Curator vacancy. Submitter to LOVD: Manon Peeters. Comment: Variant observed de novo.

OMIM
Classification: Pathogenic for CHOROIDAL DYSTROPHY, CENTRAL AREOLAR, 2. Last evaluated: 2003-10-01. Review status: no assertion criteria provided. Collection method: literature only. Allele origin: germline. Not counted in ClinVar's aggregate classification.

Retina International
No classification provided. Review status: no classification provided. Collection method: not provided. Allele origin: not provided. Not counted in ClinVar's aggregate classification.

Literature cited by the submitters: PubMed 14557183 (cited by 4 submitters); PubMed 20213611 (cited by 3 submitters); PubMed 26796962 (cited by Labcorp Genetics (formerly Invitae), Labcorp and Institute of Human Genetics, Univ. Regensburg, Univ. Regensburg); PubMed 25082885 (cited by Labcorp Genetics (formerly Invitae), Labcorp); PubMed 32660024 (cited by Institute of Human Genetics, Univ. Regensburg, Univ. Regensburg and Leiden Open Variation Database); PubMed 33925984 (cited by Institute of Human Genetics, Univ. Regensburg, Univ. Regensburg); PubMed 34411390 (cited by Institute of Human Genetics, Univ. Regensburg, Univ. Regensburg); PubMed 35119454 (cited by Institute of Human Genetics, Univ. Regensburg, Univ. Regensburg); PubMed 37047703 (cited by Institute of Human Genetics, Univ. Regensburg, Univ. Regensburg); PubMed 16832026 (cited by Leiden Open Variation Database); PubMed 17653047 (cited by Leiden Open Variation Database); PubMed 26321861 (cited by Leiden Open Variation Database); PubMed 29847639 (cited by Leiden Open Variation Database).